The following is an entry in ClinVar:

ClinVar aggregate classification (germline): Likely benign. Review status: criteria provided, multiple submitters, no conflicts (2 of 4 stars). 2 submissions from 2 submitters: Likely benign (2). Last evaluated 2025-03-26.

Conditions:
ABCC2-related disorder. Also called: ABCC2-related condition.

Allele frequency attached by ClinVar (database versions not stated): gnomAD exomes 0.00001; TOPMed 0.00001.

Submissions (2):

PreventionGenetics, part of Exact Sciences
Classification: Likely benign for ABCC2-related condition. Last evaluated: 2025-03-26. Review status: criteria provided, single submitter. Criteria: ACMG Guidelines, 2015. Collection method: clinical testing. Allele origin: germline.
Comment: This variant is classified as likely benign based on ACMG/AMP sequence variant interpretation guidelines (Richards et al. 2015 PMID: 25741868, with internal and published modifications).

Labcorp Genetics (formerly Invitae), Labcorp
Classification: Likely benign. Last evaluated: 2024-01-21. Review status: criteria provided, single submitter. Criteria: Invitae Variant Classification Sherloc (09022015). Collection method: clinical testing. Allele origin: germline.

NM_000392.5(ABCC2):c.2307C>T (p.Ile769=)

Gene: ABCC2 (ATP binding cassette subfamily C member 2; plus strand). Cytogenetic location: 10q24.2.
Variant type: single nucleotide variant.
Coding change: c.2307C>T on transcript NM_000392.5 (MANE Select); coding-DNA position 2307, C replaced by T.
Protein change: p.Ile769=; no amino-acid change (isoleucine 769 retained).
Molecular consequence: synonymous variant.
Genome position (GRCh38, 1-based): chr10:99,818,825, C>T. VCF-style: chr10-99818825-C-T. GRCh37 (hg19) VCF-style: chr10-101578582-C-T.
Other names: c.2307C>T (NM_000392.4).
Identifiers: ClinVar variation 2893947 (VCV002893947.4), dbSNP rs986600813, ClinGen allele CA212848431.